The following is an entry in ClinVar:

ClinVar aggregate classification (germline): Benign/Likely benign. Review status: criteria provided, multiple submitters, no conflicts (2 of 4 stars). 6 submissions from 6 submitters: Benign (1); Likely benign (4). 1 of the submissions does not count toward it. Last evaluated 2025-12-11.

Conditions:
Autosomal dominant auditory neuropathy 1. Also called: AUDITORY NEUROPATHY, NONSYNDROMIC DOMINANT. Identifiers: Orphanet 90635, MedGen C1836743, MONDO:0012196, OMIM 609129.
DIAPH3-related disorder. Also called: DIAPH3-related condition.

Allele frequency attached by ClinVar (database versions not stated): gnomAD exomes 0.00025 and 0.00054; ExAC 0.00074; ESP Exome Variant Server 0.00172; gnomAD 0.00233 and 0.00253; TOPMed 0.00267; 1000 Genomes Project 0.00280; 1000 Genomes Project 30x 0.00281.
gnomAD v4.1: 744 of 1,602,254 alleles (0.046%); highest among the groups gnomAD compares: African/African-American, 0.87%; 4 homozygotes.

Submissions (6):

Labcorp Genetics (formerly Invitae), Labcorp
Classification: Likely benign. Last evaluated: 2025-12-11. Review status: criteria provided, single submitter. Criteria: Invitae Variant Classification Sherloc (09022015). Collection method: clinical testing. Allele origin: germline.

Blueprint Genetics
Classification: Likely benign. Last evaluated: 2024-10-25. Review status: criteria provided, single submitter. Criteria: ACMG Guidelines, 2015. Collection method: clinical testing. Allele origin: germline.

CeGaT Center for Human Genetics Tuebingen
Classification: Likely benign. Last evaluated: 2022-07-01. Review status: criteria provided, single submitter. Criteria: CeGaT Center For Human Genetics Tuebingen Variant Classification Criteria Version 2. Collection method: clinical testing. Allele origin: germline. Affected: yes. Observed: 1 variant allele.
Comment: DIAPH3: BP4

GeneDx
Classification: Benign. Last evaluated: 2020-08-28. Review status: criteria provided, single submitter. Criteria: GeneDx Variant Classification Process June 2021. Collection method: clinical testing. Allele origin: germline. Affected: yes.

Mendelics
Classification: Likely benign for Autosomal dominant auditory neuropathy 1. Last evaluated: 2019-05-28. Review status: criteria provided, single submitter. Criteria: Mendelics Assertion Criteria 2017. Collection method: clinical testing. Allele origin: unknown.

PreventionGenetics, part of Exact Sciences
Classification: Benign for DIAPH3-related condition. Last evaluated: 2019-11-01. Review status: no assertion criteria provided. Collection method: clinical testing. Allele origin: germline. Not counted in ClinVar's aggregate classification.
Comment: This variant is classified as benign based on ACMG/AMP sequence variant interpretation guidelines (Richards et al. 2015 PMID: 25741868, with internal and published modifications).

NM_001042517.2(DIAPH3):c.2149T>C (p.Ser717Pro)

Gene: DIAPH3 (diaphanous related formin 3; minus strand). Cytogenetic location: 13q21.2.
Variant type: single nucleotide variant.
Coding change: c.2149T>C on transcript NM_001042517.2 (MANE Select); coding-DNA position 2149, T replaced by C.
Protein change: p.Ser717Pro; replaces serine 717 with proline.
Molecular consequence: missense variant.
Genome position (GRCh38, 1-based): chr13:59,924,796, A>G on the plus strand (T>C on the coding strand, the complement: DIAPH3 is on the minus strand). VCF-style: chr13-59924796-A-G. GRCh37 (hg19) VCF-style: chr13-60498930-A-G.
Other names: c.2116T>C, p.Ser706Pro (NM_001258366.2); c.2011T>C, p.Ser671Pro (NM_001258367.2); c.1939T>C, p.Ser647Pro (NM_001258368.2); c.2149T>C, p.Ser717Pro (NM_001258369.2); c.1360T>C, p.Ser454Pro (NM_001258370.2, NM_030932.4); short protein forms S717P, S454P, S647P, S671P, S706P.
Identifiers: ClinVar variation 514234 (VCV000514234.43), dbSNP rs191267920, ClinGen allele CA6996476.